The following is an entry in ClinVar:

NM_006892.4(DNMT3B):c.2160G>A (p.Met720Ile)

Gene: DNMT3B (DNA methyltransferase 3 beta; plus strand). Cytogenetic location: 20q11.21.
Variant type: single nucleotide variant.
Coding change: c.2160G>A on transcript NM_006892.4 (MANE Select); coding-DNA position 2160, G replaced by A.
Protein change: p.Met720Ile; replaces methionine 720 with isoleucine.
Molecular consequence: missense variant.
Genome position (GRCh38, 1-based): chr20:32,802,399, G>A. VCF-style: chr20-32802399-G-A. GRCh37 (hg19) VCF-style: chr20-31390205-G-A.
Other names: c.1974G>A, p.Met658Ile (NM_001207055.2, NM_001424354.1, NM_001424357.1); c.1872G>A, p.Met624Ile (NM_001207056.2); c.2160G>A, p.Met720Ile (NM_001424351.1, NM_001424355.1); c.2034G>A, p.Met678Ile (NM_001424352.1, NM_001424356.1, NM_001424358.1); c.2100G>A, p.Met700Ile (NM_001424353.1, NM_175848.2, NM_175849.2); c.2136G>A, p.Met712Ile (NM_001424359.1, NM_175850.3); c.2010G>A, p.Met670Ile (NM_001424360.1); short protein forms M720I, M670I, M678I, M700I, M624I, M658I, M712I.
Identifiers: ClinVar variation 4709781 (VCV004709781.1).
Genomic context (GRCh38, chr20:32,802,399, plus strand): 5'-AACTCTAATAATAGGCTCCTAACAGTAACCTTCTTTCTCCCCACAGTGTAATCCAGTGAT[G>A]ATTGATGCCATCAAAGTTTCTGCTGCTCACAGGGCCCGATACTTCTGGGGCAACCTACCC-3'
Protein context (NP_008823.1, residues 710-730): ISRFLECNPV[Met720Ile]IDAIKVSAAH

ClinVar aggregate classification (germline): Uncertain significance (1 of 4 stars; one submission).

Conditions:
Centromeric instability of chromosomes 1,9 and 16 and immunodeficiency (ICF1). Also called: Immunodeficiency-centromeric instability-facial anomalies; IMMUNE DEFICIENCY, VARIABLE, WITH CENTROMERIC INSTABILITY OF CHROMOSOMES 1, 9, AND 16; IMMUNODEFICIENCY SYNDROME, VARIABLE; CENTROMERIC INSTABILITY, IMMUNODEFICIENCY SYNDROME. Identifiers: Orphanet 2268, MedGen C0398788, MONDO:0000133.

Submission:

Labcorp Genetics (formerly Invitae), Labcorp
Classification: Uncertain significance for Centromeric instability of chromosomes 1,9 and 16 and immunodeficiency. Last evaluated: 2025-12-25. Review status: criteria provided, single submitter. Criteria: Invitae Variant Classification Sherloc (09022015). Collection method: clinical testing. Allele origin: germline.
Comment: This sequence change replaces methionine, which is neutral and non-polar, with isoleucine, which is neutral and non-polar, at codon 720 of the DNMT3B protein (p.Met720Ile). This variant is not present in population databases (gnomAD no frequency). This variant has not been reported in the literature in individuals affected with DNMT3B-related conditions. Invitae Evidence Modeling of protein sequence and biophysical properties (such as structural, functional, and spatial information, amino acid conservation, physicochemical variation, residue mobility, and thermodynamic stability) has been performed for this missense variant. However, the output from this modeling did not meet the statistical confidence thresholds required to predict the impact of this variant on DNMT3B protein function. In summary, the available evidence is currently insufficient to determine the role of this variant in disease. Therefore, it has been classified as a Variant of Uncertain Significance.